The following is an entry in ClinVar:

NM_007294.4(BRCA1):c.5141T>A (p.Val1714Asp)

Gene: BRCA1 (BRCA1 DNA repair associated; minus strand). Cytogenetic location: 17q21.31.
Variant type: single nucleotide variant.
Coding change: c.5141T>A on transcript NM_007294.4 (MANE Select); coding-DNA position 5141, T replaced by A.
Protein change: p.Val1714Asp; replaces valine 1714 with aspartic acid.
Molecular consequence: missense variant. On other transcripts: non-coding transcript variant (1).
Genome position (GRCh38, 1-based): chr17:43,063,885, A>T on the plus strand (T>A on the coding strand, the complement: BRCA1 is on the minus strand). VCF-style: chr17-43063885-A-T. GRCh37 (hg19) VCF-style: chr17-41215902-A-T.
Other names: c.4928T>A, p.Val1643Asp (NM_001407571.1, NM_001407897.1, NM_001407898.1 and 12 more transcripts); c.5207T>A, p.Val1736Asp (NM_001407581.1, NM_001407582.1); c.5204T>A, p.Val1735Asp (NM_001407583.1, NM_001407585.1, NM_001407587.1 and 1 more transcripts); c.5201T>A, p.Val1734Asp (NM_001407590.1, NM_001407591.1); c.5141T>A, p.Val1714Asp (NM_001407593.1, NM_001407594.1, NM_001407596.1 and 7 more transcripts); c.5138T>A, p.Val1713Asp (NM_001407610.1, NM_001407611.1, NM_001407612.1 and 17 more transcripts); c.5135T>A, p.Val1712Asp (NM_001407627.1, NM_001407628.1, NM_001407629.1 and 14 more transcripts); c.5132T>A, p.Val1711Asp (NM_001407644.1, NM_001407645.1); and 71 more; short protein forms V1714D, V1735D, V1667D, V610D, V1418D, V1585D, V1586D, V1601D.
Identifiers: ClinVar variation 865012 (VCV000865012.3), dbSNP rs80357243, ClinGen allele CA10591260.

Conditions:
Breast-ovarian cancer, familial, susceptibility to, 1 (BROVCA1). Also called: BRCA1 Hereditary Breast and Ovarian Cancer; OVARIAN CANCER, SUSCEPTIBILITY TO. Identifiers: Orphanet 145, MedGen C2676676, MONDO:0011450, OMIM 604370. Disease mechanism: loss of function.

Submission:

Brotman Baty Institute, University of Washington
No classification provided (evidence only). Condition: Breast-ovarian cancer, familial 1. Review status: no classification provided. Collection method: in vitro. Allele origin: not applicable. Functional consequence: functionally_abnormal.
ClinVar note: "not provided" was previously submitted as the classification for the variant. However, the classification appeared to be based only on an observation of functional data so it was converted to no classification on 2025-07-30.